The following is an entry in ClinVar:

NM_013275.6(ANKRD11):c.4739T>C (p.Met1580Thr)

Gene: ANKRD11 (ankyrin repeat domain 11; minus strand). Cytogenetic location: 16q24.3.
Variant type: single nucleotide variant.
Coding change: c.4739T>C on transcript NM_013275.6 (MANE Select); coding-DNA position 4739, T replaced by C.
Protein change: p.Met1580Thr; replaces methionine 1580 with threonine.
Molecular consequence: missense variant.
Genome position (GRCh38, 1-based): chr16:89,281,803, A>G on the plus strand (T>C on the coding strand, the complement: ANKRD11 is on the minus strand). VCF-style: chr16-89281803-A-G. GRCh37 (hg19) VCF-style: chr16-89348211-A-G.
Other names: c.4739T>C, p.Met1580Thr (NM_001256182.2, NM_001256183.2); short protein forms M1580T.
Identifiers: ClinVar variation 3637140 (VCV003637140.2).

ClinVar aggregate classification (germline): Uncertain significance (1 of 4 stars; one submission).

Conditions:
KBG syndrome (KBGS). Also called: ANKRD11-Related KBG Syndrome. Identifiers: Orphanet 2332, MedGen C0220687, MONDO:0007846, OMIM 148050.

Submission:

Labcorp Genetics (formerly Invitae), Labcorp
Classification: Uncertain significance for KBG syndrome. Last evaluated: 2025-01-30. Review status: criteria provided, single submitter. Criteria: Invitae Variant Classification Sherloc (09022015). Collection method: clinical testing. Allele origin: germline.
Comment: This sequence change replaces methionine, which is neutral and non-polar, with threonine, which is neutral and polar, at codon 1580 of the ANKRD11 protein (p.Met1580Thr). This variant is not present in population databases (gnomAD no frequency). This variant has not been reported in the literature in individuals affected with ANKRD11-related conditions. Invitae Evidence Modeling of protein sequence and biophysical properties (such as structural, functional, and spatial information, amino acid conservation, physicochemical variation, residue mobility, and thermodynamic stability) indicates that this missense variant is expected to disrupt ANKRD11 protein function with a positive predictive value of 80%. In summary, the available evidence is currently insufficient to determine the role of this variant in disease. Therefore, it has been classified as a Variant of Uncertain Significance.